The following is an entry in ClinVar:

ClinVar aggregate classification (germline): Uncertain significance (1 of 4 stars; one submission).

Allele frequency attached by ClinVar (database versions not stated): gnomAD 0.00001.

Submission:

Labcorp Genetics (formerly Invitae), Labcorp
Classification: Uncertain significance. Last evaluated: 2021-08-30. Review status: criteria provided, single submitter. Criteria: Invitae Variant Classification Sherloc (09022015). Collection method: clinical testing. Allele origin: germline.
Comment: This sequence change falls in intron 5 of the CARMIL2 gene. It does not directly change the encoded amino acid sequence of the CARMIL2 protein. This variant is not present in population databases (ExAC no frequency). This variant has not been reported in the literature in individuals affected with CARMIL2-related conditions. Algorithms developed to predict the effect of sequence changes on RNA splicing suggest that this variant may create or strengthen a splice site. In summary, the available evidence is currently insufficient to determine the role of this variant in disease. Therefore, it has been classified as a Variant of Uncertain Significance.

NM_001013838.3(CARMIL2):c.374+12C>T

Gene: CARMIL2 (capping protein regulator and myosin 1 linker 2; plus strand). Cytogenetic location: 16q22.1.
Variant type: single nucleotide variant.
Coding change: c.374+12C>T on transcript NM_001013838.3 (MANE Select); 12 bases into the intron after coding-DNA position 374, C replaced by T.
Molecular consequence: intron variant.
Genome position (GRCh38, 1-based): chr16:67,646,322, C>T. VCF-style: chr16-67646322-C-T. GRCh37 (hg19) VCF-style: chr16-67680225-C-T.
Other names: c.374+12C>T (NM_001317026.3).
Identifiers: ClinVar variation 1472984 (VCV001472984.5), dbSNP rs779379712, ClinGen allele CA623121120.